The following is an entry in ClinVar:

ClinVar aggregate classification (germline): Uncertain significance (1 of 4 stars; one submission).

Conditions:
Progressive myoclonic epilepsy type 5. Identifiers: Orphanet 402082, MedGen C5190799.

Allele frequency attached by ClinVar (database versions not stated): TOPMed 0.00002.
gnomAD v4.1: 1 of 1,594,688 alleles (0.000063%); highest among the groups gnomAD compares: Non-Finnish European, 0.000086%; no homozygotes.

Submission:

Labcorp Genetics (formerly Invitae), Labcorp
Classification: Uncertain significance for Progressive myoclonic epilepsy type 5. Last evaluated: 2024-01-11. Review status: criteria provided, single submitter. Criteria: Invitae Variant Classification Sherloc (09022015). Collection method: clinical testing. Allele origin: germline.
Comment: This sequence change replaces aspartic acid, which is acidic and polar, with asparagine, which is neutral and polar, at codon 722 of the PRICKLE2 protein (p.Asp722Asn). This variant is not present in population databases (gnomAD no frequency). This variant has not been reported in the literature in individuals affected with PRICKLE2-related conditions. Advanced modeling of protein sequence and biophysical properties (such as structural, functional, and spatial information, amino acid conservation, physicochemical variation, residue mobility, and thermodynamic stability) performed at Invitae indicates that this missense variant is not expected to disrupt PRICKLE2 protein function with a negative predictive value of 80%. In summary, the available evidence is currently insufficient to determine the role of this variant in disease. Therefore, it has been classified as a Variant of Uncertain Significance.

NM_198859.4(PRICKLE2):c.2164G>A (p.Asp722Asn)

Genes: PRICKLE2 (prickle planar cell polarity protein 2; minus strand), PRICKLE2-AS1 (PRICKLE2 antisense RNA 1; plus strand). Cytogenetic location: 3p14.1.
Variant type: single nucleotide variant.
Coding change: c.2164G>A on transcript NM_198859.4 (MANE Select); coding-DNA position 2164, G replaced by A.
Protein change: p.Asp722Asn; replaces aspartic acid 722 with asparagine.
Molecular consequence: missense variant. On other transcripts: non-coding transcript variant (1).
Genome position (GRCh38, 1-based): chr3:64,099,422, C>T on the plus strand (G>A on the coding strand, the complement: PRICKLE2 is on the minus strand). VCF-style: chr3-64099422-C-T. GRCh37 (hg19) VCF-style: chr3-64085098-C-T.
Other names: c.2164G>A, p.Asp722Asn (NM_001370528.1); short protein forms D722N.
Identifiers: ClinVar variation 2708934 (VCV002708934.3), dbSNP rs1238453786, ClinGen allele CA353426653.
Genomic context (GRCh38, chr3:64,099,422, plus strand): 5'-TCCGGGACCCATGCCCCATGCTCTCCTGGAAGCTCCGCTGGCGCATAAATTGGTCATAGT[C>T]CTCCCTGGCTCTCAGAGGGGGCCTATCTTTTAACCGGGAGATGGCCTCGCGTTCGCTGGC-3'
Protein context (NP_942559.1, residues 712-732): KDRPPLRARE[Asp722Asn]YDQFMRQRSF